The following is an entry in ClinVar:

NM_001291867.2(NHS):c.4196G>A (p.Gly1399Glu)

Gene: NHS (NHS actin remodeling regulator; plus strand). Cytogenetic location: Xp22.13.
Variant type: single nucleotide variant.
Coding change: c.4196G>A on transcript NM_001291867.2 (MANE Select); coding-DNA position 4196, G replaced by A.
Protein change: p.Gly1399Glu; replaces glycine 1399 with glutamic acid.
Molecular consequence: missense variant.
Genome position (GRCh38, 1-based): chrX:17,728,302, G>A. VCF-style: chrX-17728302-G-A. GRCh37 (hg19) VCF-style: chrX-17746422-G-A.
Other names: c.3665G>A, p.Gly1222Glu (NM_001136024.4); c.3602G>A, p.Gly1201Glu (NM_001291868.2); c.4133G>A, p.Gly1378Glu (NM_198270.4); short protein forms G1201E, G1222E, G1378E, G1399E.
Identifiers: ClinVar variation 1676143 (VCV001676143.33), dbSNP rs2066464724, ClinGen allele CA412367748.
Genomic context (GRCh38, chrX:17,728,302, plus strand): 5'-TTGCTTCAGGTATTTCAGCCAAAAGTGCCTCTGATAACAGCAAAGCAGAGGAGACCCAAG[G>A]AAATGTGGATGAGGCTTCATTGAAAGGTCAGTCACTGATAACTTTGTCATAAAGGAAATG-3'
Protein context (NP_001278796.1, residues 1389-1409): SDNSKAEETQ[Gly1399Glu]NVDEASLKES

ClinVar aggregate classification (germline): Uncertain significance (1 of 4 stars; one submission).

Allele frequency attached by ClinVar (database versions not stated): gnomAD exomes below 0.00001; TOPMed 0.00002.
gnomAD v4.1: 4 of 1,211,486 alleles (0.00033%); highest among the groups gnomAD compares: African/African-American, 0.0017%; no homozygotes.

Submission:

CeGaT Center for Human Genetics Tuebingen
Classification: Uncertain significance. Last evaluated: 2022-03-01. Review status: criteria provided, single submitter. Criteria: CeGaT Center For Human Genetics Tuebingen Variant Classification Criteria Version 2. Collection method: clinical testing. Allele origin: germline. Affected: yes. Observed: 1 variant allele.
Comment: NHS: PM2, BP4